The following is an entry in ClinVar:

ClinVar aggregate classification (germline): Uncertain significance (1 of 4 stars; one submission).

Submission:

Labcorp Genetics (formerly Invitae), Labcorp
Classification: Uncertain significance. Last evaluated: 2024-08-08. Review status: criteria provided, single submitter. Criteria: Invitae Variant Classification Sherloc (09022015). Collection method: clinical testing. Allele origin: germline.
Comment: This sequence change replaces leucine, which is neutral and non-polar, with phenylalanine, which is neutral and non-polar, at codon 263 of the POLE protein (p.Leu263Phe). This variant is not present in population databases (gnomAD no frequency). This variant has not been reported in the literature in individuals affected with POLE-related conditions. ClinVar contains an entry for this variant (Variation ID: 835814). Advanced modeling of protein sequence and biophysical properties (such as structural, functional, and spatial information, amino acid conservation, physicochemical variation, residue mobility, and thermodynamic stability) has been performed at Invitae for this missense variant, however the output from this modeling did not meet the statistical confidence thresholds required to predict the impact of this variant on POLE protein function. In summary, the available evidence is currently insufficient to determine the role of this variant in disease. Therefore, it has been classified as a Variant of Uncertain Significance.

NM_006231.4(POLE):c.787C>T (p.Leu263Phe)

Gene: POLE (DNA polymerase epsilon, catalytic subunit; minus strand). Cytogenetic location: 12q24.33.
Variant type: single nucleotide variant.
Coding change: c.787C>T on transcript NM_006231.4 (MANE Select); coding-DNA position 787, C replaced by T.
Protein change: p.Leu263Phe; replaces leucine 263 with phenylalanine.
Molecular consequence: missense variant.
Genome position (GRCh38, 1-based): chr12:132,677,377, G>A on the plus strand (C>T on the coding strand, the complement: POLE is on the minus strand). VCF-style: chr12-132677377-G-A. GRCh37 (hg19) VCF-style: chr12-133253963-G-A.
Other names: short protein forms L263F.
Identifiers: ClinVar variation 835814 (VCV000835814.9), dbSNP rs2043077432, ClinGen allele CA387364426.
Genomic context (GRCh38, chr12:132,677,377, plus strand): 5'-AGAAAACTGGAAATTTTAGGATGAAGGTAACACAAGCAAAACTTACAGGTCGTTCAACAA[G>A]GTCATCTCGGCGGGTGATTTCTACCGGAAAAGCATTTCCTCGGTATCTGACATTGTACCA-3'
Protein context (NP_006222.2, residues 253-273): FPVEITRRDD[Leu263Phe]VERPDPVVLA